The following is an entry in ClinVar:

NM_000090.4(COL3A1):c.755G>T (p.Gly252Val)

Gene: COL3A1 (collagen type III alpha 1 chain; plus strand). Cytogenetic location: 2q32.2.
Variant type: single nucleotide variant.
Coding change: c.755G>T on transcript NM_000090.4 (MANE Select); coding-DNA position 755, G replaced by T.
Protein change: p.Gly252Val; replaces glycine 252 with valine.
Molecular consequence: missense variant.
Genome position (GRCh38, 1-based): chr2:188,990,317, G>T. VCF-style: chr2-188990317-G-T. GRCh37 (hg19) VCF-style: chr2-189855043-G-T.
Identifiers: ClinVar variation 101156 (VCV000101156.9), dbSNP rs587779464, ClinGen allele CA007381.

ClinVar aggregate classification (germline): Pathogenic. Review status: criteria provided, multiple submitters, no conflicts (2 of 4 stars). 3 submissions from 3 submitters: Pathogenic (2). 1 of the submissions does not count toward it. Last evaluated 2025-08-09.

Conditions:
Ehlers-Danlos syndrome, type 4 (EDSVASC). Also called: Ehlers-Danlos syndrome vascular type; Ehlers Danlos syndrome, ecchymotic type; Ehlers Danlos syndrome, arterial type; Ehlers Danlos syndrome, Sack-Barabas type; Ehlers-Danlos Syndrome Type IV. Identifiers: Orphanet 286, MedGen C0268338, MONDO:0017314, OMIM 130050.

Submissions (3):

Labcorp Genetics (formerly Invitae), Labcorp
Classification: Pathogenic for Ehlers-Danlos syndrome, type 4. Last evaluated: 2025-08-09. Review status: criteria provided, single submitter. Criteria: Invitae Variant Classification Sherloc (09022015). Collection method: clinical testing. Allele origin: germline.
Comment: This sequence change replaces glycine, which is neutral and non-polar, with valine, which is neutral and non-polar, at codon 252 of the COL3A1 protein (p.Gly252Val). This variant is not present in population databases (gnomAD no frequency). This missense change has been observed in individuals with vascular Ehlers-Danlos syndrome (PMID: 10706896, 18043893, 22038052, 24922459, 30474650). This variant is also known as G85V. ClinVar contains an entry for this variant (Variation ID: 101156). Invitae Evidence Modeling of protein sequence and biophysical properties (such as structural, functional, and spatial information, amino acid conservation, physicochemical variation, residue mobility, and thermodynamic stability) indicates that this missense variant is expected to disrupt COL3A1 protein function with a positive predictive value of 95%. Studies have shown that this missense change alters COL3A1 gene expression (PMID: 22038052). This variant disrupts the triple helix domain of COL3A1. Glycine residues within the Gly-Xaa-Yaa repeats of the triple helix domain are required for the structure and stability of fibrillar collagens (PMID: 7695699, 8218237, 19344236). In COL3A1, variants that affect these glycine residues are significantly enriched in individuals with disease (PMID: 24922459, 25758994) compared to the general population (ExAC). For these reasons, this variant has been classified as Pathogenic.

ARUP Laboratories, Molecular Genetics and Genomics, ARUP Laboratories
Classification: Pathogenic. Last evaluated: 2022-03-10. Review status: criteria provided, single submitter. Criteria: ARUP Molecular Germline Variant Investigation Process 2021. Collection method: clinical testing. Allele origin: germline.
Comment: The COL3A1 c.755G>T; p.Gly252Val variant (rs587779464), also known as p.Gly85Val in traditional nomenclature, is reported in the literature in multiple individuals affected with vascular (type IV) Ehlers-Danlos syndrome (Henneton 2019, Legrand 2019, Morissette 2014, Pepin 2000). This variant is absent from general population databases (Exome Variant Server, Genome Aggregation Database), indicating it is not a common polymorphism. This variant alters a highly conserved glycine residue in the triple helical domain, which has been shown to disrupt the formation of the collagen helix and lead to connective tissue disorders (Persikov 2004, Weerakkody 2016). Additionally, other amino acid substitutions at this codon (p.Gly252Arg, p.Gly252Asp) have been reported in an individual with EDS type IV and are considered disease-causing. Based on available information, the p.Gly252Val variant is considered to be pathogenic. References: Henneton P et al. Accuracy of Clinical Diagnostic Criteria for Patients With Vascular Ehlers-Danlos Syndrome in a Tertiary Referral Centre. Circ Genom Precis Med. 2019 Mar;12(3):e001996. PMID: 30919682. Legrand A et al. Frequency of de novo variants and parental mosaicism in vascular Ehlers-Danlos syndrome. Genet Med. 2019 Jul;21(7):1568-1575. PMID: 30474650. Morissette R et al. Transforming growth factor-ß and inflammation in vascular (type IV) Ehlers-Danlos syndrome. Circ Cardiovasc Genet. 2014 Feb;7(1):80-8. PMID: 24399159. Pepin M et al. Clinical and genetic features of Ehlers-Danlos syndrome type IV, the vascular type. N Engl J Med. 2000 Mar 9;342(10):673-80. PMID: 10706896. Persikov A et al. Stability related bias in residues replacing glycines within the collagen triple helix (Gly-Xaa-Yaa) in inherited connective tissue disorders. Hum Mutat. 2004 Oct;24(4):330-7. PMID: 15365990. Weerakkody R et al. Targeted next-generation sequencing makes new molecular diagnoses and expands genotype-phenotype relationship in Ehlers-Danlos syndrome. Genet Med. 2016; 18(11):1119-1127. PMID: 27011056.

Collagen Diagnostic Laboratory, University of Washington
Classification: Pathogenic for Ehlers-Danlos syndrome, type 4. Review status: no assertion criteria provided. Collection method: clinical testing. Allele origin: germline. Affected: yes. Not counted in ClinVar's aggregate classification.

Literature cited by the submitters: PubMed 10706896 (cited by Labcorp Genetics (formerly Invitae), Labcorp and Collagen Diagnostic Laboratory, University of Washington); PubMed 18043893 (cited by Labcorp Genetics (formerly Invitae), Labcorp and Collagen Diagnostic Laboratory, University of Washington); PubMed 22038052 (cited by Labcorp Genetics (formerly Invitae), Labcorp); PubMed 24922459 (cited by Labcorp Genetics (formerly Invitae), Labcorp); PubMed 30474650 (cited by Labcorp Genetics (formerly Invitae), Labcorp); PubMed 7695699 (cited by Labcorp Genetics (formerly Invitae), Labcorp); PubMed 8218237 (cited by Labcorp Genetics (formerly Invitae), Labcorp); PubMed 19344236 (cited by Labcorp Genetics (formerly Invitae), Labcorp); PubMed 25758994 (cited by Labcorp Genetics (formerly Invitae), Labcorp).